The following is an entry in ClinVar:

ClinVar aggregate classification (germline): Pathogenic. Review status: criteria provided, single submitter (1 of 4 stars). 2 submissions from 2 submitters: Pathogenic (1). 1 of the submissions does not count toward it. Last evaluated 2024-07-16.

Conditions:
Bloom syndrome (BLM). Also called: Bloom-Torre-Machacek syndrome. Identifiers: Orphanet 125, MedGen C0005859, MONDO:0008876, OMIM 210900.

Submissions (2):

Labcorp Genetics (formerly Invitae), Labcorp
Classification: Pathogenic for Bloom syndrome. Last evaluated: 2024-07-16. Review status: criteria provided, single submitter. Criteria: Invitae Variant Classification Sherloc (09022015). Collection method: clinical testing. Allele origin: germline.
Comment: This sequence change creates a premature translational stop signal (p.Ser517Lysfs*19) in the BLM gene. It is expected to result in an absent or disrupted protein product. Loss-of-function variants in BLM are known to be pathogenic (PMID: 17407155). This variant is not present in population databases (gnomAD no frequency). This variant has not been reported in the literature in individuals affected with BLM-related conditions. ClinVar contains an entry for this variant (Variation ID: 552980). For these reasons, this variant has been classified as Pathogenic.

Counsyl
Classification: Likely pathogenic for Bloom syndrome. Last evaluated: 2017-08-03. Review status: no assertion criteria provided. Collection method: clinical testing. Allele origin: unknown. Not counted in ClinVar's aggregate classification.

Literature cited by the submitters: PubMed 17407155 (cited by Labcorp Genetics (formerly Invitae), Labcorp).

NM_000057.4(BLM):c.1549dup (p.Ser517fs)

Gene: BLM (BLM RecQ like helicase; plus strand). Cytogenetic location: 15q26.1.
Variant type: Duplication.
Coding change: c.1549dup on transcript NM_000057.4 (MANE Select); coding-DNA position 1549, one base duplicated (A; older notation c.1549dupA).
Protein change: p.Ser517fs; shifts the reading frame from serine 517.
Molecular consequence: frameshift variant.
Genome position (GRCh38, 1-based): chr15:90,760,922, A duplicated; the last of 3 consecutive A bases (chr15:90,760,920-90,760,922); duplicating any one gives the same sequence. VCF-style (leftmost placement, unchanged base first): chr15-90760919-G-GA. GRCh37 (hg19) VCF-style: chr15-91304149-G-GA.
Other names: c.1549dup, p.Ser517fs (NM_001287246.2, NM_001287247.2); c.424dup, p.Ser142fs (NM_001287248.2); c.1549dup (LRG_20t1); c.1549dupA (NM_000057.2); short protein forms S142fs, S517fs.
Identifiers: ClinVar variation 552980 (VCV000552980.8), dbSNP rs1555419902, ClinGen allele CA658824614.